The following is an entry in ClinVar:

ClinVar aggregate classification (germline): Uncertain significance. Review status: criteria provided, multiple submitters, no conflicts (2 of 4 stars). 2 submissions from 2 submitters: Uncertain significance (2). Last evaluated 2019-10-23.

Conditions:
DICER1-related tumor predisposition. Also called: DICER1 syndrome; DICER1-related pleuropulmonary blastoma cancer predisposition syndrome. Identifiers: Orphanet 284343, MedGen C3839822, MONDO:0100216.
Hereditary cancer-predisposing syndrome. Also called: Hereditary neoplastic syndrome; Tumor predisposition; Neoplastic Syndromes, Hereditary; Hereditary Cancer Syndrome. Identifiers: Orphanet 140162, MedGen C0027672, MeSH D009386, MONDO:0015356.

Allele frequency attached by ClinVar (database versions not stated): gnomAD 0.00001.

Submissions (2):

Ambry Genetics
Classification: Uncertain significance for Hereditary cancer-predisposing syndrome. Last evaluated: 2019-10-23. Review status: criteria provided, single submitter. Criteria: Ambry Variant Classification Scheme 2023. Collection method: clinical testing. Allele origin: germline.
Comment: The p.E268K variant (also known as c.802G>A), located in coding exon 6 of the DICER1 gene, results from a G to A substitution at nucleotide position 802. The glutamic acid at codon 268 is replaced by lysine, an amino acid with similar properties. This amino acid position is not well conserved in available vertebrate species. In addition, this alteration is predicted to be tolerated by in silico analysis. Since supporting evidence is limited at this time, the clinical significance of this alteration remains unclear.

Labcorp Genetics (formerly Invitae), Labcorp
Classification: Uncertain significance for DICER1-related tumor predisposition. Last evaluated: 2019-06-13. Review status: criteria provided, single submitter. Criteria: Invitae Variant Classification Sherloc (09022015). Collection method: clinical testing. Allele origin: germline.
Comment: This variant is not present in population databases (ExAC no frequency). This sequence change replaces glutamic acid with lysine at codon 268 of the DICER1 protein (p.Glu268Lys). The glutamic acid residue is weakly conserved and there is a small physicochemical difference between glutamic acid and lysine. This variant has not been reported in the literature in individuals with DICER1-related conditions. In summary, the available evidence is currently insufficient to determine the role of this variant in disease. Therefore, it has been classified as a Variant of Uncertain Significance. Algorithms developed to predict the effect of missense changes on protein structure and function (SIFT, PolyPhen-2, Align-GVGD) all suggest that this variant is likely to be tolerated, but these predictions have not been confirmed by published functional studies and their clinical significance is uncertain.

NM_177438.3(DICER1):c.802G>A (p.Glu268Lys)

Gene: DICER1 (dicer 1, ribonuclease III; minus strand). Cytogenetic location: 14q32.13.
Variant type: single nucleotide variant.
Coding change: c.802G>A on transcript NM_177438.3 (MANE Select); coding-DNA position 802, G replaced by A.
Protein change: p.Glu268Lys; replaces glutamic acid 268 with lysine.
Molecular consequence: missense variant.
Genome position (GRCh38, 1-based): chr14:95,126,681, C>T on the plus strand (G>A on the coding strand, the complement: DICER1 is on the minus strand). VCF-style: chr14-95126681-C-T. GRCh37 (hg19) VCF-style: chr14-95593018-C-T.
Other names: c.802G>A, p.Glu268Lys (NM_001195573.1, NM_001271282.3, NM_001291628.2 and 1 more transcripts); short protein forms E268K.
Identifiers: ClinVar variation 952725 (VCV000952725.13), dbSNP rs1251925935, ClinGen allele CA390887712.
Genomic context (GRCh38, chr14:95,126,681, plus strand): 5'-CAGATATATTACAATCATTGATAAAATTAAGTGCTTCTTCTAATTCCATCAGCAGTCTTT[C>T]ATAAAGCCCACTTCTGTCAGTAAATGGTCCACAATCCACCACAATCTCACATGGCTGAGA-3'
Protein context (NP_803187.1, residues 258-278): GPFTDRSGLY[Glu268Lys]RLLMELEEAL